The following is an entry in ClinVar:

NM_006949.4(STXBP2):c.1657G>A (p.Val553Met)

Gene: STXBP2 (syntaxin binding protein 2; plus strand). Cytogenetic location: 19p13.2.
Variant type: single nucleotide variant.
Coding change: c.1657G>A on transcript NM_006949.4 (MANE Select); coding-DNA position 1657, G replaced by A.
Protein change: p.Val553Met; replaces valine 553 with methionine.
Molecular consequence: missense variant. On other transcripts: non-coding transcript variant (1).
Genome position (GRCh38, 1-based): chr19:7,647,472, G>A. VCF-style: chr19-7647472-G-A. GRCh37 (hg19) VCF-style: chr19-7712358-G-A.
Other names: p.Val553Met; c.1648G>A, p.Val550Met (NM_001127396.3); c.1690G>A, p.Val564Met (NM_001272034.2); c.1561G>A, p.Val521Met (NM_001414484.1); short protein forms V553M, V521M, V550M, V564M.
Identifiers: ClinVar variation 4542299 (VCV004542299.1).

ClinVar aggregate classification (germline): Uncertain significance (1 of 4 stars; one submission).

gnomAD v4.1: 3 of 1,610,926 alleles (0.00019%); highest among the groups gnomAD compares: Non-Finnish European, 0.00025%; no homozygotes.

Submission:

Mayo Clinic Laboratories, Mayo Clinic
Classification: Uncertain significance. Last evaluated: 2025-09-25. Review status: criteria provided, single submitter. Criteria: ACMG Guidelines, 2015. Collection method: clinical testing. Allele origin: germline. Observed: 1 variant allele.
Comment: PP3, PM2_supporting